The following is an entry in ClinVar:

NM_024747.6(HPS6):c.911T>C (p.Leu304Pro)

Gene: HPS6 (HPS6 biogenesis of lysosomal organelles complex 2 subunit 3; plus strand). Cytogenetic location: 10q24.32.
Variant type: single nucleotide variant.
Coding change: c.911T>C on transcript NM_024747.6 (MANE Select); coding-DNA position 911, T replaced by C.
Protein change: p.Leu304Pro; replaces leucine 304 with proline.
Molecular consequence: missense variant.
Genome position (GRCh38, 1-based): chr10:102,066,385, T>C. VCF-style: chr10-102066385-T-C. GRCh37 (hg19) VCF-style: chr10-103826142-T-C.
Other names: short protein forms L304P.
Identifiers: ClinVar variation 1462624 (VCV001462624.6), dbSNP rs2136334369, ClinGen allele CA377860085.
Genomic context (GRCh38, chr10:102,066,385, plus strand): 5'-ACTTCGGGGGCACTGTGAGCCTATTGCAGTCCCACGGTGGTACGCGGGCTGTGGGCACCC[T>C]GCAGGAGGCACCTGTAGGCCCGTGGGGGTCTGCAGCCCTAGGCACATTTCAGGGCACTCT-3'
Protein context (NP_079023.2, residues 294-314): SHGGTRAVGT[Leu304Pro]QEAPVGPWGS

ClinVar aggregate classification (germline): Uncertain significance (1 of 4 stars; one submission).

Submission:

Labcorp Genetics (formerly Invitae), Labcorp
Classification: Uncertain significance. Last evaluated: 2025-10-21. Review status: criteria provided, single submitter. Criteria: Invitae Variant Classification Sherloc (09022015). Collection method: clinical testing. Allele origin: germline.
Comment: This sequence change replaces leucine, which is neutral and non-polar, with proline, which is neutral and non-polar, at codon 304 of the HPS6 protein (p.Leu304Pro). This variant is not present in population databases (gnomAD no frequency). This variant has not been reported in the literature in individuals affected with HPS6-related conditions. ClinVar contains an entry for this variant (Variation ID: 1462624). Invitae Evidence Modeling of protein sequence and biophysical properties (such as structural, functional, and spatial information, amino acid conservation, physicochemical variation, residue mobility, and thermodynamic stability) indicates that this missense variant is not expected to disrupt HPS6 protein function with a negative predictive value of 80%. In summary, the available evidence is currently insufficient to determine the role of this variant in disease. Therefore, it has been classified as a Variant of Uncertain Significance.